The following is an entry in ClinVar:

NM_003119.4(SPG7):c.2103+7C>T

Gene: SPG7 (SPG7 matrix AAA peptidase subunit, paraplegin; plus strand). Cytogenetic location: 16q24.3.
Variant type: single nucleotide variant.
Coding change: c.2103+7C>T on transcript NM_003119.4 (MANE Select); 7 bases into the intron after coding-DNA position 2103, C replaced by T.
Molecular consequence: intron variant.
Genome position (GRCh38, 1-based): chr16:89,553,967, C>T. VCF-style: chr16-89553967-C-T. GRCh37 (hg19) VCF-style: chr16-89620375-C-T.
Other names: c.2103+7C>T (NM_001363850.1, NM_003119.3).
Identifiers: ClinVar variation 389049 (VCV000389049.11), dbSNP rs372981678, ClinGen allele CA8244524.
Genomic context (GRCh38, chr16:89,553,967, plus strand): 5'-ATGGGCATCGGGCGGCGCCCCTTCAGCCAAGGCCTGCAGCAGATGATGGACCATGTGAGT[C>T]GGCTCTGGCCACACCGCTGCCCTCTGTGCTCCCCGGGGAGGGAGTCCCTGGGTCTACCAC-3'

ClinVar aggregate classification (germline): Likely benign. Review status: criteria provided, multiple submitters, no conflicts (2 of 4 stars). 4 submissions from 4 submitters: Likely benign (3). 1 of the submissions does not count toward it. Last evaluated 2026-01-22.

Conditions:
SPG7-related disorder. Also called: SPG7-related condition.
Hereditary spastic paraplegia 7 (SPG7). Also called: Spastic paraplegia 7; Hereditary spastic paraplegia Paraplegin type; SPASTIC PARAPLEGIA 7, AUTOSOMAL RECESSIVE, WITH OR WITHOUT CEREBELLAR ATAXIA; Autosomal recessive spastic paraplegia type 7; SPG7-related neurologic disorder. Identifiers: Orphanet 99013, MedGen C1846564, MONDO:0011803, OMIM 607259.

Allele frequency attached by ClinVar (database versions not stated): gnomAD exomes 0.00006 and 0.00025; gnomAD 0.00007 and 0.00008; ESP Exome Variant Server 0.00008; TOPMed 0.00011; ExAC 0.00017.
gnomAD v4.1: 96 of 1,609,942 alleles (0.006%); highest among the groups gnomAD compares: Admixed American, 0.11%; no homozygotes.

Submissions (4):

Labcorp Genetics (formerly Invitae), Labcorp
Classification: Likely benign for Hereditary spastic paraplegia 7. Last evaluated: 2026-01-22. Review status: criteria provided, single submitter. Criteria: Invitae Variant Classification Sherloc (09022015). Collection method: clinical testing. Allele origin: germline.

Blueprint Genetics
Classification: Likely benign. Last evaluated: 2024-11-07. Review status: criteria provided, single submitter. Criteria: ACMG Guidelines, 2015. Collection method: clinical testing. Allele origin: germline.

GeneDx
Classification: Likely benign. Last evaluated: 2018-02-23. Review status: criteria provided, single submitter. Criteria: GeneDx Variant Classification (06012015). Collection method: clinical testing. Allele origin: germline. Affected: yes.
Comment: This variant is considered likely benign or benign based on one or more of the following criteria: it is a conservative change, it occurs at a poorly conserved position in the protein, it is predicted to be benign by multiple in silico algorithms, and/or has population frequency not consistent with disease.

PreventionGenetics, part of Exact Sciences
Classification: Likely benign for SPG7-related condition. Last evaluated: 2022-12-20. Review status: no assertion criteria provided. Collection method: clinical testing. Allele origin: germline. Not counted in ClinVar's aggregate classification.
Comment: This variant is classified as likely benign based on ACMG/AMP sequence variant interpretation guidelines (Richards et al. 2015 PMID: 25741868, with internal and published modifications).